The following is an entry in ClinVar:

ClinVar aggregate classification (germline): Uncertain significance (1 of 4 stars; one submission).

Conditions:
Hypertrophic cardiomyopathy. Also called: HYPERTROPHIC MYOCARDIOPATHY. Identifiers: Orphanet 217569, MedGen C0007194, MeSH D002312, MONDO:0005045, HP:0001639.

Allele frequency attached by ClinVar (database versions not stated): ExAC 0.00001; gnomAD 0.00001 and 0.00002; gnomAD exomes 0.00001 and 0.00002; TOPMed 0.00002; 1000 Genomes Project 30x 0.00016; 1000 Genomes Project 0.00020.
gnomAD v4.1: 32 of 1,613,734 alleles (0.002%); highest among the groups gnomAD compares: Middle Eastern, 0.033%; no homozygotes.

Submission:

Labcorp Genetics (formerly Invitae), Labcorp
Classification: Uncertain significance for Hypertrophic cardiomyopathy. Last evaluated: 2025-09-05. Review status: criteria provided, single submitter. Criteria: Invitae Variant Classification Sherloc (09022015). Collection method: clinical testing. Allele origin: germline.
Comment: This sequence change replaces lysine, which is basic and polar, with glutamic acid, which is acidic and polar, at codon 959 of the MYOM1 protein (p.Lys959Glu). This variant is present in population databases (rs192365952, gnomAD 0.003%). This variant has not been reported in the literature in individuals affected with MYOM1-related conditions. ClinVar contains an entry for this variant (Variation ID: 524992). Invitae Evidence Modeling of protein sequence and biophysical properties (such as structural, functional, and spatial information, amino acid conservation, physicochemical variation, residue mobility, and thermodynamic stability) indicates that this missense variant is not expected to disrupt MYOM1 protein function with a negative predictive value of 80%. In summary, the available evidence is currently insufficient to determine the role of this variant in disease. Therefore, it has been classified as a Variant of Uncertain Significance.

NM_003803.4(MYOM1):c.2875A>G (p.Lys959Glu)

Gene: MYOM1 (myomesin 1; minus strand). Cytogenetic location: 18p11.31.
Variant type: single nucleotide variant.
Coding change: c.2875A>G on transcript NM_003803.4 (MANE Select); coding-DNA position 2875, A replaced by G.
Protein change: p.Lys959Glu; replaces lysine 959 with glutamic acid.
Molecular consequence: missense variant.
Genome position (GRCh38, 1-based): chr18:3,126,817, T>C on the plus strand (A>G on the coding strand, the complement: MYOM1 is on the minus strand). VCF-style: chr18-3126817-T-C. GRCh37 (hg19) VCF-style: chr18-3126815-T-C.
Other names: c.2587A>G, p.Lys863Glu (NM_019856.2); short protein forms K959E, K863E.
Identifiers: ClinVar variation 524992 (VCV000524992.8), dbSNP rs192365952, ClinGen allele CA8874504.